The following is an entry in ClinVar:

NM_018192.4(P3H2):c.1367C>T (p.Ser456Leu)

Gene: P3H2 (prolyl 3-hydroxylase 2; minus strand). Cytogenetic location: 3q28.
Variant type: single nucleotide variant.
Coding change: c.1367C>T on transcript NM_018192.4 (MANE Select); coding-DNA position 1367, C replaced by T.
Protein change: p.Ser456Leu; replaces serine 456 with leucine.
Molecular consequence: missense variant.
Genome position (GRCh38, 1-based): chr3:189,974,643, G>A on the plus strand (C>T on the coding strand, the complement: P3H2 is on the minus strand). VCF-style: chr3-189974643-G-A. GRCh37 (hg19) VCF-style: chr3-189692432-G-A.
Other names: c.824C>T, p.Ser275Leu (NM_001134418.2); short protein forms S456L, S275L.
Identifiers: ClinVar variation 863077 (VCV000863077.5), dbSNP rs780557025, ClinGen allele CA2752960.

ClinVar aggregate classification (germline): Uncertain significance. Review status: criteria provided, multiple submitters, no conflicts (2 of 4 stars). 2 submissions from 2 submitters: Uncertain significance (2). Last evaluated 2024-07-18.

Allele frequency attached by ClinVar (database versions not stated): TOPMed 0.00004; gnomAD exomes 0.00007 and 0.00019; gnomAD 0.00010 and 0.00011; ExAC 0.00012.
gnomAD v4.1: 111 of 1,614,048 alleles (0.0069%); highest among the groups gnomAD compares: African/African-American, 0.0093%; no homozygotes.

Submissions (2):

Blueprint Genetics
Classification: Uncertain significance. Last evaluated: 2024-07-18. Review status: criteria provided, single submitter. Criteria: ACMG Guidelines, 2015. Collection method: clinical testing. Allele origin: germline.

Labcorp Genetics (formerly Invitae), Labcorp
Classification: Uncertain significance. Last evaluated: 2022-06-13. Review status: criteria provided, single submitter. Criteria: Invitae Variant Classification Sherloc (09022015). Collection method: clinical testing. Allele origin: germline.
Comment: This sequence change replaces serine, which is neutral and polar, with leucine, which is neutral and non-polar, at codon 456 of the P3H2 protein (p.Ser456Leu). This variant is present in population databases (rs780557025, gnomAD 0.1%). This variant has not been reported in the literature in individuals affected with P3H2-related conditions. ClinVar contains an entry for this variant (Variation ID: 863077). Algorithms developed to predict the effect of missense changes on protein structure and function are either unavailable or do not agree on the potential impact of this missense change (SIFT: "Deleterious"; PolyPhen-2: "Benign"; Align-GVGD: "Class C0"). In summary, the available evidence is currently insufficient to determine the role of this variant in disease. Therefore, it has been classified as a Variant of Uncertain Significance.